The following is an entry in ClinVar:

ClinVar aggregate classification (germline): Uncertain significance (1 of 4 stars; one submission).

Allele frequency attached by ClinVar (database versions not stated): TOPMed below 0.00001; ExAC 0.00001; gnomAD 0.00002; gnomAD exomes 0.00002.
gnomAD v4.1: 15 of 1,613,582 alleles (0.00093%); highest among the groups gnomAD compares: South Asian, 0.0099%; 1 homozygote.

Submission:

Labcorp Genetics (formerly Invitae), Labcorp
Classification: Uncertain significance. Last evaluated: 2022-08-16. Review status: criteria provided, single submitter. Criteria: Invitae Variant Classification Sherloc (09022015). Collection method: clinical testing. Allele origin: germline.
Comment: This sequence change replaces arginine, which is basic and polar, with histidine, which is basic and polar, at codon 22 of the EXTL3 protein (p.Arg22His). This variant is present in population databases (rs758164674, gnomAD 0.02%), including at least one homozygous and/or hemizygous individual. This variant has not been reported in the literature in individuals affected with EXTL3-related conditions. ClinVar contains an entry for this variant (Variation ID: 1483011). Algorithms developed to predict the effect of missense changes on protein structure and function are either unavailable or do not agree on the potential impact of this missense change (SIFT: "Deleterious"; PolyPhen-2: "Benign"; Align-GVGD: "Class C0"). In summary, the available evidence is currently insufficient to determine the role of this variant in disease. Therefore, it has been classified as a Variant of Uncertain Significance.

NM_001440.4(EXTL3):c.65G>A (p.Arg22His)

Gene: EXTL3 (exostosin like glycosyltransferase 3; plus strand). Cytogenetic location: 8p21.1.
Variant type: single nucleotide variant.
Coding change: c.65G>A on transcript NM_001440.4 (MANE Select); coding-DNA position 65, G replaced by A.
Protein change: p.Arg22His; replaces arginine 22 with histidine.
Molecular consequence: missense variant.
Genome position (GRCh38, 1-based): chr8:28,716,124, G>A. VCF-style: chr8-28716124-G-A. GRCh37 (hg19) VCF-style: chr8-28573641-G-A.
Other names: short protein forms R22H.
Identifiers: ClinVar variation 1483011 (VCV001483011.3), dbSNP rs758164674, ClinGen allele CA4695923.
Genomic context (GRCh38, chr8:28,716,124, plus strand): 5'-CAGGCTATACCATGCTGCGGAATGGGGGCGCGGGGAACGGAGGTCAGACCTGCATGCTGC[G>A]CTGGTCCAACCGCATCCGCCTCACGTGGCTCAGCTTCACGCTCTTTGTCATCCTGGTCTT-3'
Protein context (NP_001431.1, residues 12-32): AGNGGQTCML[Arg22His]WSNRIRLTWL